The following is an entry in ClinVar:

ClinVar aggregate classification (germline): Likely benign. Review status: criteria provided, multiple submitters, no conflicts (2 of 4 stars). 3 submissions from 3 submitters: Likely benign (3). Last evaluated 2026-01-18.

gnomAD v4.1: 73 of 1,613,954 alleles (0.0045%); highest among the groups gnomAD compares: Admixed American, 0.01%; no homozygotes.

Submissions (3):

Labcorp Genetics (formerly Invitae), Labcorp
Classification: Likely benign. Last evaluated: 2026-01-18. Review status: criteria provided, single submitter. Criteria: Invitae Variant Classification Sherloc (09022015). Collection method: clinical testing. Allele origin: germline.

Blueprint Genetics
Classification: Likely benign. Last evaluated: 2024-03-14. Review status: criteria provided, single submitter. Criteria: ACMG Guidelines, 2015. Collection method: clinical testing. Allele origin: germline.

CeGaT Center for Human Genetics Tuebingen
Classification: Likely benign. Last evaluated: 2022-06-01. Review status: criteria provided, single submitter. Criteria: CeGaT Center For Human Genetics Tuebingen Variant Classification Criteria Version 2. Collection method: clinical testing. Allele origin: germline. Affected: yes. Observed: 1 variant allele.
Comment: CCBE1: BP4, BP7

NM_133459.4(CCBE1):c.174G>C (p.Pro58=)

Gene: CCBE1 (collagen and calcium binding EGF domains 1; minus strand). Cytogenetic location: 18q21.32.
Variant type: single nucleotide variant.
Coding change: c.174G>C on transcript NM_133459.4 (MANE Select); coding-DNA position 174, G replaced by C.
Protein change: p.Pro58=; no amino-acid change (proline 58 retained).
Molecular consequence: synonymous variant.
Genome position (GRCh38, 1-based): chr18:59,696,667, C>G on the plus strand (G>C on the coding strand, the complement: CCBE1 is on the minus strand). VCF-style: chr18-59696667-C-G. GRCh37 (hg19) VCF-style: chr18-57363899-C-G.
Identifiers: ClinVar variation 2648769 (VCV002648769.28), dbSNP rs143938797, ClinGen allele CA301450662.